The following is an entry in ClinVar:

NM_000179.3(MSH6):c.1769C>A (p.Pro590His)

Gene: MSH6 (mutS homolog 6; plus strand). Cytogenetic location: 2p16.3.
Variant type: single nucleotide variant.
Coding change: c.1769C>A on transcript NM_000179.3 (MANE Select); coding-DNA position 1769, C replaced by A.
Protein change: p.Pro590His; replaces proline 590 with histidine.
Molecular consequence: missense variant.
Genome position (GRCh38, 1-based): chr2:47,799,752, C>A. VCF-style: chr2-47799752-C-A. GRCh37 (hg19) VCF-style: chr2-48026891-C-A.
Other names: c.1379C>A, p.Pro460His (NM_001281492.2); c.863C>A, p.Pro288His (NM_001281493.2, NM_001281494.2, NM_001406811.1 and 6 more transcripts); c.1865C>A, p.Pro622His (NM_001406795.1, NM_001406802.1); c.1769C>A, p.Pro590His (NM_001406796.1, NM_001406798.1, NM_001406800.1 and 3 more transcripts); c.1472C>A, p.Pro491His (NM_001406797.1, NM_001406801.1, NM_001406805.1 and 10 more transcripts); c.1244C>A, p.Pro415His (NM_001406799.1, NM_001406806.1, NM_001406807.1); c.1691C>A, p.Pro564His (NM_001406804.1); c.1775C>A, p.Pro592His (NM_001406813.1); and 1 more; short protein forms P415H, P460H, P491H, P590H, P534H, P564H, P592H, P288H.
Identifiers: ClinVar variation 1779732 (VCV001779732.4), dbSNP rs587782635, ClinGen allele CA346749145.

ClinVar aggregate classification (germline): Uncertain significance. Review status: criteria provided, multiple submitters, no conflicts (2 of 4 stars). 2 submissions from 2 submitters: Uncertain significance (2). Last evaluated 2026-01-25.

Conditions:
Hereditary nonpolyposis colorectal neoplasms. Identifiers: MedGen C0009405, MeSH D003123.
Hereditary cancer-predisposing syndrome. Also called: Neoplastic Syndromes, Hereditary; Tumor predisposition; Hereditary Cancer Syndrome; Hereditary neoplastic syndrome. Identifiers: Orphanet 140162, MedGen C0027672, MeSH D009386, MONDO:0015356.

Submissions (2):

Labcorp Genetics (formerly Invitae), Labcorp
Classification: Uncertain significance for Hereditary nonpolyposis colorectal neoplasms. Last evaluated: 2026-01-25. Review status: criteria provided, single submitter. Criteria: Invitae Variant Classification Sherloc (09022015). Collection method: clinical testing. Allele origin: germline.
Comment: This sequence change replaces proline, which is neutral and non-polar, with histidine, which is basic and polar, at codon 590 of the MSH6 protein (p.Pro590His). This variant is not present in population databases (gnomAD no frequency). This variant has not been reported in the literature in individuals affected with MSH6-related conditions. ClinVar contains an entry for this variant (Variation ID: 1779732). Invitae Evidence Modeling of protein sequence and biophysical properties (such as structural, functional, and spatial information, amino acid conservation, physicochemical variation, residue mobility, and thermodynamic stability) indicates that this missense variant is not expected to disrupt MSH6 protein function with a negative predictive value of 95%. In summary, the available evidence is currently insufficient to determine the role of this variant in disease. Therefore, it has been classified as a Variant of Uncertain Significance.

Ambry Genetics
Classification: Uncertain significance for Hereditary cancer-predisposing syndrome. Last evaluated: 2024-09-10. Review status: criteria provided, single submitter. Criteria: Ambry Variant Classification Scheme 2023. Collection method: clinical testing. Allele origin: germline.
Comment: The p.P590H variant (also known as c.1769C>A), located in coding exon 4 of the MSH6 gene, results from a C to A substitution at nucleotide position 1769. The proline at codon 590 is replaced by histidine, an amino acid with similar properties. This amino acid position is not well conserved in available vertebrate species. In addition, the in silico prediction for this alteration is inconclusive. Based on the available evidence, the clinical significance of this variant remains unclear.